The following is an entry in ClinVar:

ClinVar aggregate classification (germline): Likely pathogenic (1 of 4 stars; one submission).

Conditions:
Joubert syndrome 17 (JBTS17). Identifiers: Orphanet 475, MedGen C3553264, MONDO:0013824, OMIM 614615.
Orofaciodigital syndrome type 6 (OFD6). Also called: OROFACIODIGITAL SYNDROME VI; OFDS VI; POLYDACTYLY, CLEFT LIP/PALATE OR LINGUAL LUMP, AND PSYCHOMOTOR RETARDATION; VARADI SYNDROME; VARADI-PAPP SYNDROME; Oral-facial-digital syndrome type 6. Identifiers: Orphanet 2754, MedGen C2745997, MONDO:0010176, OMIM 277170.

Submission:

Juno Genomics, Hangzhou Juno Genomics, Inc
Classification: Likely pathogenic for Joubert syndrome 17; Orofaciodigital syndrome type 6. Review status: criteria provided, single submitter. Criteria: ACMG Guidelines, 2015. Collection method: clinical testing. Allele origin: germline.
Comment: Absent from controls (or at extremely low frequency if recessive) in Genome Aggregation Database.;Null variant in a gene where loss of function (LOF) is a known mechanism of disease.

NM_001384732.1(CPLANE1):c.1571del (p.Leu524fs)

Gene: CPLANE1 (ciliogenesis and planar polarity effector complex subunit 1; minus strand). Cytogenetic location: 5p13.2.
Variant type: Deletion.
Coding change: c.1571del on transcript NM_001384732.1 (MANE Select); coding-DNA position 1571, one base deleted (T; older notation c.1571delT).
Protein change: p.Leu524fs; shifts the reading frame from leucine 524.
Molecular consequence: frameshift variant.
Genome position (GRCh38, 1-based): chr5:37,227,024, A deleted on the plus strand (T on the coding strand, the reverse complement: CPLANE1 is on the minus strand); the first of 2 consecutive A bases (chr5:37,227,024-37,227,025); deleting either gives the same sequence. VCF-style (leftmost placement, unchanged base first): chr5-37227023-TA-T. GRCh37 (hg19) VCF-style: chr5-37227125-TA-T.
Other names: c.1571del, p.Leu524fs (NM_023073.4); short protein forms L524fs.
Identifiers: ClinVar variation 5019364 (VCV005019364.2).